The following is an entry in ClinVar:

ClinVar aggregate classification (germline): Conflicting classifications of pathogenicity. Review status: criteria provided, conflicting classifications (1 of 4 stars). 11 submissions from 11 submitters: Uncertain significance (3); Benign (2); Likely benign (6). Last evaluated 2025-12-08.

Conditions:
Hereditary cancer-predisposing syndrome. Also called: Tumor predisposition; Neoplastic Syndromes, Hereditary; Hereditary Cancer Syndrome; Hereditary neoplastic syndrome. Identifiers: Orphanet 140162, MedGen C0027672, MeSH D009386, MONDO:0015356.
Generalized juvenile polyposis/juvenile polyposis coli. Also called: Juvenile polyposis coli. Identifiers: Orphanet 329971, MedGen C1868081, MONDO:0008276.
Juvenile polyposis syndrome (JPS). Identifiers: Orphanet 2929, MedGen C0345893, MONDO:0017380, OMIM 174900.

Allele frequency attached by ClinVar (database versions not stated): gnomAD exomes 0.00001; ExAC 0.00002; gnomAD 0.00008 and 0.00009; 1000 Genomes Project 30x 0.00016; 1000 Genomes Project 0.00020; TOPMed 0.00021.
gnomAD v4.1: 26 of 1,611,838 alleles (0.0016%); highest among the groups gnomAD compares: Admixed American, 0.035%; no homozygotes.

Submissions (11):

Labcorp Genetics (formerly Invitae), Labcorp
Classification: Likely benign for Juvenile polyposis syndrome. Last evaluated: 2025-12-08. Review status: criteria provided, single submitter. Criteria: Invitae Variant Classification Sherloc (09022015). Collection method: clinical testing. Allele origin: germline.

Quest Diagnostics Nichols Institute San Juan Capistrano
Classification: Uncertain significance. Last evaluated: 2025-07-12. Review status: criteria provided, single submitter. Criteria: Quest Diagnostics criteria. Collection method: clinical testing. Allele origin: unknown.
Comment: The BMPR1A c.33G>A (p.Leu11=) synonymous variant has not been reported in individuals with BMPR1A-related conditions in the published literature. The frequency of this variant in the general population (Genome Aggregation Database) is uninformative in the assessment of its pathogenicity. Analysis of this variant using software algorithms for the prediction of the effect of nucleotide changes on splicing yielded predictions that this variant does not affect BMPR1A mRNA splicing. Based on the available information, we are unable to determine the clinical significance of this variant.

Myriad Genetics, Inc.
Classification: Benign for Juvenile polyposis syndrome. Last evaluated: 2024-07-30. Review status: criteria provided, single submitter. Criteria: Myriad Autosomal Dominant, Autosomal Recessive and X-Linked Classification Criteria (2023). Collection method: clinical testing. Allele origin: unknown.
Comment: This variant is considered benign. This variant is a silent/synonymous amino acid change and it is not expected to impact splicing.

Blueprint Genetics
Classification: Likely benign. Last evaluated: 2023-08-18. Review status: criteria provided, single submitter. Criteria: ACMG Guidelines, 2015. Collection method: clinical testing. Allele origin: germline.

Women's Health and Genetics/Laboratory Corporation of America, LabCorp
Classification: Benign. Last evaluated: 2023-06-29. Review status: criteria provided, single submitter. Criteria: LabCorp Variant Classification Summary - May 2015. Collection method: clinical testing. Allele origin: germline.
Comment: Variant summary: BMPR1A c.33G>A alters a conserved nucleotide resulting in a synonymous change. 4/4 computational tools predict no significant impact on normal splicing. However, these predictions have yet to be confirmed by functional studies. The variant allele was found at a frequency of 8.6e-05 in 150918 control chromosomes, predominantly at a frequency of 0.00079 within the African or African-American subpopulation in the gnomAD database. The observed variant frequency within African or African-American control individuals in the gnomAD database is approximately 400 fold of the estimated maximal expected allele frequency for a pathogenic variant in BMPR1A causing Juvenile Polyposis Syndrome phenotype (2e-06), strongly suggesting that the variant is a benign polymorphism found primarily in populations of African or African-American origin. To our knowledge, no occurrence of c.33G>A in individuals affected with Juvenile Polyposis Syndrome and no experimental evidence demonstrating its impact on protein function have been reported. Eight submitters have cited clinical-significance assessments for this variant to ClinVar after 2014 and classified the variant as likely benign (n=6) and VUS (n=2). Based on the evidence outlined above, the variant was classified as benign.

Sema4
Classification: Uncertain significance for Hereditary cancer-predisposing syndrome. Last evaluated: 2021-08-18. Review status: criteria provided, single submitter. Criteria: Sema4 Curation Guidelines. Collection method: curation. Allele origin: germline.
Comment: The BMPR1A c.33G>A (p.L11=) variant has not been reported in literature to our knowledge. This variant was observed in 3/251334 chromosomes in the large and broad cohorts of the Genome Aggregation Database (PMID: 32461654). This variant has been reported in ClinVar (Variation ID 220588). The nucleotide is conserved. Computational tools suggest that this variant has no effect on splicing, but this prediction has not been confirmed by functional studies. The overall evidence is insufficient to meet ACMG/AMP criteria for classifying it as benign or pathogenic. In summary, the clinical significance of this variant is currently uncertain.

GeneDx
Classification: Likely benign. Last evaluated: 2018-01-20. Review status: criteria provided, single submitter. Criteria: GeneDx Variant Classification (06012015). Collection method: clinical testing. Allele origin: germline. Affected: yes.
Comment: This variant is considered likely benign or benign based on one or more of the following criteria: it is a conservative change, it occurs at a poorly conserved position in the protein, it is predicted to be benign by multiple in silico algorithms, and/or has population frequency not consistent with disease.

Illumina Laboratory Services, Illumina
Classification: Uncertain significance for Juvenile polyposis syndrome. Last evaluated: 2018-01-12. Review status: criteria provided, single submitter. Criteria: ICSL Variant Classification Criteria 13 December 2019. Collection method: clinical testing. Allele origin: germline.

PreventionGenetics, part of Exact Sciences
Classification: Likely benign. Last evaluated: 2017-07-14. Review status: criteria provided, single submitter. Criteria: ACMG Guidelines, 2015. Collection method: clinical testing. Allele origin: germline.

Color Diagnostics, LLC DBA Color Health
Classification: Likely benign for Hereditary cancer-predisposing syndrome. Last evaluated: 2017-03-08. Review status: criteria provided, single submitter. Criteria: ACMG Guidelines, 2015. Collection method: clinical testing. Allele origin: germline.

Ambry Genetics
Classification: Likely benign for Hereditary cancer-predisposing syndrome. Last evaluated: 2015-08-04. Review status: criteria provided, single submitter. Criteria: Ambry Variant Classification Scheme 2023. Collection method: clinical testing. Allele origin: germline.

NM_004329.3(BMPR1A):c.33G>A (p.Leu11=)

Gene: BMPR1A (bone morphogenetic protein receptor type 1A; plus strand). Cytogenetic location: 10q23.2.
Variant type: single nucleotide variant.
Coding change: c.33G>A on transcript NM_004329.3 (MANE Select); coding-DNA position 33, G replaced by A.
Protein change: p.Leu11=; no amino-acid change (leucine 11 retained).
Molecular consequence: synonymous variant.
Genome position (GRCh38, 1-based): chr10:86,876,051, G>A. VCF-style: chr10-86876051-G-A. GRCh37 (hg19) VCF-style: chr10-88635808-G-A.
Identifiers: ClinVar variation 220588 (VCV000220588.31), dbSNP rs535411352, ClinGen allele CA350819.